The following is an entry in ClinVar:

ClinVar aggregate classification (germline): Uncertain significance (1 of 4 stars; one submission).

Conditions:
Early-infantile DEE. Also called: Early infantile epileptic encephalopathy; Ohtahara syndrome; Early infantile epileptic encephalopathy with suppression bursts. Identifiers: Orphanet 1934, MedGen C0393706, MONDO:0800491.

Allele frequency attached by ClinVar (database versions not stated): gnomAD exomes below 0.00001.
gnomAD v4.1: 1 of 1,533,144 alleles (0.000065%); highest among the groups gnomAD compares: Non-Finnish European, 0.000087%; no homozygotes.

Submission:

Labcorp Genetics (formerly Invitae), Labcorp
Classification: Uncertain significance for Early-infantile DEE. Last evaluated: 2022-05-18. Review status: criteria provided, single submitter. Criteria: Invitae Variant Classification Sherloc (09022015). Collection method: clinical testing. Allele origin: germline.
Comment: In summary, the available evidence is currently insufficient to determine the role of this variant in disease. Therefore, it has been classified as a Variant of Uncertain Significance. Advanced modeling of protein sequence and biophysical properties (such as structural, functional, and spatial information, amino acid conservation, physicochemical variation, residue mobility, and thermodynamic stability) performed at Invitae indicates that this missense variant is expected to disrupt KCNQ2 protein function. This variant has not been reported in the literature in individuals affected with KCNQ2-related conditions. This variant is not present in population databases (gnomAD no frequency). This sequence change replaces glycine, which is neutral and non-polar, with serine, which is neutral and polar, at codon 9 of the KCNQ2 protein (p.Gly9Ser).

NM_172107.4(KCNQ2):c.25G>A (p.Gly9Ser)

Gene: KCNQ2 (potassium voltage-gated channel subfamily Q member 2; minus strand). Cytogenetic location: 20q13.33.
Variant type: single nucleotide variant.
Coding change: c.25G>A on transcript NM_172107.4 (MANE Select); coding-DNA position 25, G replaced by A.
Protein change: p.Gly9Ser; replaces glycine 9 with serine.
Molecular consequence: missense variant.
Genome position (GRCh38, 1-based): chr20:63,472,439, C>T on the plus strand (G>A on the coding strand, the complement: KCNQ2 is on the minus strand). VCF-style: chr20-63472439-C-T. GRCh37 (hg19) VCF-style: chr20-62103792-C-T.
Other names: c.25G>A, p.Gly9Ser (NM_001382235.1, NM_004518.6, NM_172106.3 and 2 more transcripts); short protein forms G9S.
Identifiers: ClinVar variation 2142289 (VCV002142289.4), dbSNP rs2516747328, ClinGen allele CA409636250.